The following is an entry in ClinVar:

NM_020964.3(EPG5):c.611A>G (p.Lys204Arg)

Gene: EPG5 (ectopic P-granules 5 autophagy tethering factor; minus strand). Cytogenetic location: 18q21.1.
Variant type: single nucleotide variant.
Coding change: c.611A>G on transcript NM_020964.3 (MANE Select); coding-DNA position 611, A replaced by G.
Protein change: p.Lys204Arg; replaces lysine 204 with arginine.
Molecular consequence: missense variant.
Genome position (GRCh38, 1-based): chr18:45,954,791, T>C on the plus strand (A>G on the coding strand, the complement: EPG5 is on the minus strand). VCF-style: chr18-45954791-T-C. GRCh37 (hg19) VCF-style: chr18-43534757-T-C.
Other names: c.611A>G, p.Lys204Arg (LRG_1234t1); short protein forms K204R.
Identifiers: ClinVar variation 664217 (VCV000664217.7), dbSNP rs749123170, ClinGen allele CA8949922.

ClinVar aggregate classification (germline): Uncertain significance (1 of 4 stars; one submission).

Conditions:
Vici syndrome (VICIS). Identifiers: Orphanet 1493, MedGen C1855772, MONDO:0009452, OMIM 242840.

Allele frequency attached by ClinVar (database versions not stated): ExAC 0.00001; gnomAD 0.00001; TOPMed 0.00001.
gnomAD v4.1: 15 of 1,613,862 alleles (0.00093%); highest among the groups gnomAD compares: East Asian, 0.0022%; no homozygotes.

Submission:

Labcorp Genetics (formerly Invitae), Labcorp
Classification: Uncertain significance for Vici syndrome. Last evaluated: 2021-08-31. Review status: criteria provided, single submitter. Criteria: Invitae Variant Classification Sherloc (09022015). Collection method: clinical testing. Allele origin: germline.
Comment: This sequence change replaces lysine with arginine at codon 204 of the EPG5 protein (p.Lys204Arg). The lysine residue is weakly conserved and there is a small physicochemical difference between lysine and arginine. This variant is present in population databases (rs749123170, ExAC 0.002%). This variant has not been reported in the literature in individuals affected with EPG5-related conditions. Algorithms developed to predict the effect of missense changes on protein structure and function output the following: SIFT: "Tolerated"; PolyPhen-2: "Benign"; Align-GVGD: "Class C0". The arginine amino acid residue is found in multiple mammalian species, which suggests that this missense change does not adversely affect protein function. In summary, the available evidence is currently insufficient to determine the role of this variant in disease. Therefore, it has been classified as a Variant of Uncertain Significance.